The following is an entry in ClinVar:

NM_145239.3(PRRT2):c.589G>A (p.Ala197Thr)

Genes: MVP-DT (MVP divergent transcript; minus strand), PRRT2 (proline rich transmembrane protein 2; plus strand). Cytogenetic location: 16p11.2.
Variant type: single nucleotide variant.
Coding change: c.589G>A on transcript NM_145239.3 (MANE Select); coding-DNA position 589, G replaced by A.
Protein change: p.Ala197Thr; replaces alanine 197 with threonine.
Molecular consequence: missense variant.
Genome position (GRCh38, 1-based): chr16:29,813,643, G>A. VCF-style: chr16-29813643-G-A. GRCh37 (hg19) VCF-style: chr16-29824964-G-A.
Other names: c.589G>A, p.Ala197Thr (NM_001256442.2, NM_001256443.2, NM_001438120.1 and 2 more transcripts); short protein forms A197T.
Identifiers: ClinVar variation 4540274 (VCV004540274.1).

ClinVar aggregate classification (germline): Uncertain significance (1 of 4 stars; one submission).

Submission:

GeneDx
Classification: Uncertain significance. Last evaluated: 2025-06-23. Review status: criteria provided, single submitter. Criteria: GeneDx Variant Classification Process June 2021. Collection method: clinical testing. Allele origin: germline. Affected: yes.
Comment: Not observed at significant frequency in large population cohorts (gnomAD); In silico analysis suggests that this missense variant does not alter protein structure/function; Has not been previously published as pathogenic or benign to our knowledge